The following is an entry in ClinVar:

ClinVar aggregate classification (germline): Uncertain significance (1 of 4 stars; one submission).

Submission:

GeneDx
Classification: Uncertain significance. Last evaluated: 2024-02-06. Review status: criteria provided, single submitter. Criteria: GeneDx Variant Classification Process June 2021. Collection method: clinical testing. Allele origin: germline. Affected: yes.
Comment: Has not been previously published as pathogenic or benign to our knowledge; Not observed in large population cohorts (gnomAD); In silico analysis, which includes protein predictors and evolutionary conservation, supports a deleterious effect

NM_005883.3(APC2):c.2915C>G (p.Pro972Arg)

Gene: APC2 (APC regulator of WNT signaling pathway 2; plus strand). Cytogenetic location: 19p13.3.
Variant type: single nucleotide variant.
Coding change: c.2915C>G on transcript NM_005883.3 (MANE Select); coding-DNA position 2915, C replaced by G.
Protein change: p.Pro972Arg; replaces proline 972 with arginine.
Molecular consequence: missense variant.
Genome position (GRCh38, 1-based): chr19:1,466,216, C>G. VCF-style: chr19-1466216-C-G. GRCh37 (hg19) VCF-style: chr19-1466215-C-G.
Other names: c.2912C>G, p.Pro971Arg (NM_001351273.1); short protein forms P971R, P972R.
Identifiers: ClinVar variation 1309416 (VCV001309416.3), dbSNP rs1179824387, ClinGen allele CA403028350.